The following is an entry in ClinVar:

NM_001267550.2(TTN):c.31679-12G>A

Gene: TTN (titin; minus strand). Cytogenetic location: 2q31.2.
Variant type: single nucleotide variant.
Coding change: c.31679-12G>A on transcript NM_001267550.2 (MANE Select); 12 bases into the intron before coding-DNA position 31679, G replaced by A.
Molecular consequence: intron variant.
Genome position (GRCh38, 1-based): chr2:178,692,111, C>T on the plus strand (G>A on the coding strand, the complement: TTN is on the minus strand). VCF-style: chr2-178692111-C-T. GRCh37 (hg19) VCF-style: chr2-179556838-C-T.
Other names: c.30728-12G>A (NM_001256850.1); c.13282+45971G>A (NM_003319.4); c.13858+45971G>A (NM_133437.4); c.13657+45971G>A (NM_133432.3); c.27947-12G>A (NM_133378.4).
Identifiers: ClinVar variation 516812 (VCV000516812.15), dbSNP rs372575606, ClinGen allele CA1998878.

ClinVar aggregate classification (germline): Likely benign. Review status: criteria provided, multiple submitters, no conflicts (2 of 4 stars). 4 submissions from 4 submitters: Likely benign (4). Last evaluated 2026-01-27.

Conditions:
Autosomal recessive limb-girdle muscular dystrophy type 2J (LGMDR10). Also called: Limb-girdle muscular dystrophy, type 2J; MUSCULAR DYSTROPHY, LIMB-GIRDLE, AUTOSOMAL RECESSIVE 10. Identifiers: Orphanet 140922, MedGen C1837342, MONDO:0012127, OMIM 608807.
Dilated cardiomyopathy 1G (CMD1G). Identifiers: Orphanet 154, MedGen C1858763, MONDO:0011400, OMIM 604145.

Allele frequency attached by ClinVar (database versions not stated): ExAC 0.00003; gnomAD exomes 0.00003 and 0.00006; gnomAD 0.00007; ESP Exome Variant Server 0.00008; TOPMed 0.00008.
gnomAD v4.1: 99 of 1,609,364 alleles (0.0062%); highest among the groups gnomAD compares: Non-Finnish European, 0.008%; no homozygotes.

Submissions (4):

Labcorp Genetics (formerly Invitae), Labcorp
Classification: Likely benign for Dilated cardiomyopathy 1G; Autosomal recessive limb-girdle muscular dystrophy type 2J. Last evaluated: 2026-01-27. Review status: criteria provided, single submitter. Criteria: Invitae Variant Classification Sherloc (09022015). Collection method: clinical testing. Allele origin: germline.

Women's Health and Genetics/Laboratory Corporation of America, LabCorp
Classification: Likely benign. Last evaluated: 2025-10-06. Review status: criteria provided, single submitter. Criteria: LabCorp Variant Classification Summary - May 2015. Collection method: clinical testing. Allele origin: germline.
Comment: Variant summary: TTN c.27947-12G>A alters a non-conserved nucleotide located at a position not widely known to affect splicing. Consensus agreement among computation tools predict no significant impact on normal splicing. However, these predictions have yet to be confirmed by functional studies. The variant allele was found at a frequency of 2.8e-05 in 248262 control chromosomes. The available data on variant occurrences in the general population are insufficient to allow any conclusion about variant significance. To our knowledge, no occurrence of c.27947-12G>A in individuals affected with TTN-related conditions and no experimental evidence demonstrating its impact on protein function have been reported. ClinVar contains an entry for this variant (Variation ID: 516812). Based on the evidence outlined above, the variant was classified as likely benign.

Blueprint Genetics
Classification: Likely benign. Last evaluated: 2022-10-19. Review status: criteria provided, single submitter. Criteria: ACMG Guidelines, 2015. Collection method: clinical testing. Allele origin: germline.

GeneDx
Classification: Likely benign. Last evaluated: 2020-12-18. Review status: criteria provided, single submitter. Criteria: GeneDx Variant Classification Process June 2021. Collection method: clinical testing. Allele origin: germline. Affected: yes.